The following is an entry in ClinVar:

NM_004859.4(CLTC):c.3318G>A (p.Ala1106=)

Gene: CLTC (clathrin heavy chain; plus strand). Cytogenetic location: 17q23.1.
Variant type: single nucleotide variant.
Coding change: c.3318G>A on transcript NM_004859.4 (MANE Select); coding-DNA position 3318, G replaced by A.
Protein change: p.Ala1106=; no amino-acid change (alanine 1106 retained).
Molecular consequence: synonymous variant.
Genome position (GRCh38, 1-based): chr17:59,681,715, G>A. VCF-style: chr17-59681715-G-A. GRCh37 (hg19) VCF-style: chr17-57759076-G-A.
Other names: c.3330G>A, p.Ala1110= (NM_001288653.2).
Identifiers: ClinVar variation 1923044 (VCV001923044.29), dbSNP rs141347684, ClinGen allele CA8681569.
Genomic context (GRCh38, chr17:59,681,715, plus strand): 5'-TGAGCATATTGGAAACTTGGATCGGGCATATGAGTTTGCTGAACGTTGCAATGAACCTGC[G>A]GTCTGGAGTCAACTTGCAAAAGCCCAGTTGCAGAAAGGAATGGTGAAAGAAGCCATTGAT-3'
Protein context (NP_004850.1, residues 1096-1116): YEFAERCNEP[Ala1106=]VWSQLAKAQL

ClinVar aggregate classification (germline): Likely benign. Review status: criteria provided, multiple submitters, no conflicts (2 of 4 stars). 2 submissions from 2 submitters: Likely benign (2). Last evaluated 2025-06-11.

Allele frequency attached by ClinVar (database versions not stated): TOPMed 0.00002; ESP Exome Variant Server 0.00008.
gnomAD v4.1: 29 of 1,614,032 alleles (0.0018%); highest among the groups gnomAD compares: Non-Finnish European, 0.0024%; no homozygotes.

Submissions (2):

Labcorp Genetics (formerly Invitae), Labcorp
Classification: Likely benign. Last evaluated: 2025-06-11. Review status: criteria provided, single submitter. Criteria: Invitae Variant Classification Sherloc (09022015). Collection method: clinical testing. Allele origin: germline.

CeGaT Center for Human Genetics Tuebingen
Classification: Likely benign. Last evaluated: 2022-12-01. Review status: criteria provided, single submitter. Criteria: CeGaT Center For Human Genetics Tuebingen Variant Classification Criteria Version 2. Collection method: clinical testing. Allele origin: germline. Affected: yes. Observed: 1 variant allele.
Comment: CLTC: BP4, BP7